The following is an entry in ClinVar:

ClinVar aggregate classification (germline): Pathogenic (1 of 4 stars; one submission).

Conditions:
Hereditary spastic paraplegia 4. Also called: Spastic paraplegia 4, autosomal dominant; Spastic Paraplegia 4; Familial spastic paraplegia autosomal dominant 2. Identifiers: Orphanet 100985, MedGen C1866855, MONDO:0008438, OMIM 182601.

Submission:

Labcorp Genetics (formerly Invitae), Labcorp
Classification: Pathogenic for Hereditary spastic paraplegia 4. Last evaluated: 2025-01-21. Review status: criteria provided, single submitter. Criteria: Invitae Variant Classification Sherloc (09022015). Collection method: clinical testing. Allele origin: germline.
Comment: This sequence change creates a premature translational stop signal (p.Phe317Tyrfs*2) in the SPAST gene. It is expected to result in an absent or disrupted protein product. Loss-of-function variants in SPAST are known to be pathogenic (PMID: 20932283). This variant is not present in population databases (gnomAD no frequency). This variant has not been reported in the literature in individuals affected with SPAST-related conditions. For these reasons, this variant has been classified as Pathogenic.

Literature cited by the submitters: PubMed 20932283.

NM_014946.4(SPAST):c.949_950insA (p.Phe317fs)

Gene: SPAST (spastin; plus strand). Cytogenetic location: 2p22.3.
Variant type: Insertion.
Coding change: c.949_950insA on transcript NM_014946.4 (MANE Select); coding-DNA positions 949 to 950, A inserted.
Protein change: p.Phe317fs; shifts the reading frame from phenylalanine 317.
Molecular consequence: frameshift variant.
Genome position: GRCh38 VCF-style: chr2-32115780-T-TA. GRCh37 (hg19) VCF-style: chr2-32340849-T-TA.
Other names: c.946_947insA, p.Phe316fs (NM_001363823.2); c.850_851insA, p.Phe284fs (NM_001363875.2); c.853_854insA, p.Phe285fs (NM_001377959.1, NM_199436.2); short protein forms F316fs, F317fs, F285fs, F284fs.
Identifiers: ClinVar variation 3729290 (VCV003729290.2).